The following is an entry in ClinVar:

ClinVar aggregate classification (germline): Likely pathogenic. Review status: criteria provided, single submitter (1 of 4 stars). 2 submissions from 2 submitters: Likely pathogenic (1). 1 of the submissions does not count toward it. Last evaluated 2023-08-07.

Conditions:
Bifunctional peroxisomal enzyme deficiency (DBIF). Also called: PBFE DEFICIENCY; DBP DEFICIENCY; D-bifunctional protein deficiency. Identifiers: Orphanet 300, MedGen C0342870, MONDO:0009855, OMIM 261515. Disease mechanism: loss of function.
Perrault syndrome. Also called: Gonadal dysgenesis with auditory dysfunction, autosomal recessive inheritance. Identifiers: Orphanet 2855, MedGen C0685838, MONDO:0017312.

Submissions (2):

Labcorp Genetics (formerly Invitae), Labcorp
Classification: Likely pathogenic for Perrault syndrome; Bifunctional peroxisomal enzyme deficiency. Last evaluated: 2023-08-07. Review status: criteria provided, single submitter. Criteria: Invitae Variant Classification Sherloc (09022015). Collection method: clinical testing. Allele origin: germline.
Comment: Algorithms developed to predict the effect of sequence changes on RNA splicing suggest that this variant may disrupt the consensus splice site. ClinVar contains an entry for this variant (Variation ID: 552986). This variant has not been reported in the literature in individuals affected with HSD17B4-related conditions. This variant is not present in population databases (gnomAD no frequency). This sequence change affects an acceptor splice site in intron 4 of the HSD17B4 gene. It is expected to disrupt RNA splicing. Variants that disrupt the donor or acceptor splice site typically lead to a loss of protein function (PMID: 16199547), and loss-of-function variants in HSD17B4 are known to be pathogenic (PMID: 11810648, 16385454, 20673864). In summary, the currently available evidence indicates that the variant is pathogenic, but additional data are needed to prove that conclusively. Therefore, this variant has been classified as Likely Pathogenic.

Counsyl
Classification: Likely pathogenic for Bifunctional peroxisomal enzyme deficiency. Last evaluated: 2017-07-24. Review status: no assertion criteria provided. Collection method: clinical testing. Allele origin: unknown. Not counted in ClinVar's aggregate classification.

Literature cited by the submitters: PubMed 16199547 (cited by Labcorp Genetics (formerly Invitae), Labcorp); PubMed 11810648 (cited by Labcorp Genetics (formerly Invitae), Labcorp); PubMed 16385454 (cited by Labcorp Genetics (formerly Invitae), Labcorp); PubMed 20673864 (cited by Labcorp Genetics (formerly Invitae), Labcorp).

NM_000414.4(HSD17B4):c.281-2A>G

Gene: HSD17B4 (hydroxysteroid 17-beta dehydrogenase 4; plus strand). Cytogenetic location: 5q23.1.
Variant type: single nucleotide variant.
Coding change: c.281-2A>G on transcript NM_000414.4 (MANE Select); the canonical splice acceptor site of the intron before coding-DNA position 281, A replaced by G.
Molecular consequence: splice acceptor variant.
Genome position (GRCh38, 1-based): chr5:119,475,704, A>G. VCF-style: chr5-119475704-A-G. GRCh37 (hg19) VCF-style: chr5-118811399-A-G.
Other names: c.-131-2A>G (NM_001374503.1, NM_001374502.1, NM_001374501.1 and 1 more transcripts); c.356-2A>G (NM_001199291.3); c.1-2A>G (NM_001374499.1); c.-258-2A>G (NM_001374500.1); c.209-2A>G (NM_001292027.2); c.281-2A>G (NM_001374498.1, NM_001374497.1); c.227-2A>G (NM_001199292.2).
Identifiers: ClinVar variation 552986 (VCV000552986.5), dbSNP rs1554062343, ClinGen allele CA360864857.
Genomic context (GRCh38, chr5:119,475,704, plus strand): 5'-GTAAGCAAATGCAAACTAATATGCTTGCTTTTAGATGTAACTTGTATCTTTTTATATTGT[A>G]GATGTTGTGGTCAACAATGCTGGGTGAGTATTTCTTTTTCATTTTTAGTGATGTGTGTAT-3'